The following is an entry in ClinVar:

ClinVar aggregate classification (germline): Uncertain significance (1 of 4 stars; one submission).

Conditions:
Neuronal ceroid lipofuscinosis. Also called: Neuronal Ceroid Lipofuscinoses. Identifiers: Orphanet 216, Orphanet 79263, MedGen C0027877, MONDO:0016295. Disease mechanism: loss of function.

Allele frequency attached by ClinVar (database versions not stated): TOPMed 0.00001.
gnomAD v4.1: 2 of 1,614,204 alleles (0.00012%); no homozygotes.

Submission:

Labcorp Genetics (formerly Invitae), Labcorp
Classification: Uncertain significance for Neuronal ceroid lipofuscinosis. Last evaluated: 2021-09-02. Review status: criteria provided, single submitter. Criteria: Invitae Variant Classification Sherloc (09022015). Collection method: clinical testing. Allele origin: germline.
Comment: This sequence change replaces phenylalanine with isoleucine at codon 278 of the CLN3 protein (p.Phe278Ile). The phenylalanine residue is weakly conserved and there is a small physicochemical difference between phenylalanine and isoleucine. This variant is not present in population databases (ExAC no frequency). This variant has not been reported in the literature in individuals affected with CLN3-related conditions. Algorithms developed to predict the effect of missense changes on protein structure and function (SIFT, PolyPhen-2, Align-GVGD) all suggest that this variant is likely to be tolerated. In summary, the available evidence is currently insufficient to determine the role of this variant in disease. Therefore, it has been classified as a Variant of Uncertain Significance.

NM_001042432.2(CLN3):c.832T>A (p.Phe278Ile)

Gene: CLN3 (CLN3 lysosomal/endosomal transmembrane protein, battenin; minus strand). Cytogenetic location: 16p12.1.
Variant type: single nucleotide variant.
Coding change: c.832T>A on transcript NM_001042432.2 (MANE Select); coding-DNA position 832, T replaced by A.
Protein change: p.Phe278Ile; replaces phenylalanine 278 with isoleucine.
Molecular consequence: missense variant.
Genome position (GRCh38, 1-based): chr16:28,482,631, A>T on the plus strand (T>A on the coding strand, the complement: CLN3 is on the minus strand). VCF-style: chr16-28482631-A-T. GRCh37 (hg19) VCF-style: chr16-28493952-A-T.
Other names: c.832T>A, p.Phe278Ile (NM_000086.2); c.760T>A, p.Phe254Ile (NM_001286104.2); c.532T>A, p.Phe178Ile (NM_001286105.2); c.598T>A, p.Phe200Ile (NM_001286109.2); c.670T>A, p.Phe224Ile (NM_001286110.2); short protein forms F278I, F254I, F178I, F224I, F200I.
Identifiers: ClinVar variation 579811 (VCV000579811.6), dbSNP rs1567257709, ClinGen allele CA395344593.